The following is an entry in ClinVar:

NM_145260.3(OSR1):c.456C>T (p.Asp152=)

Gene: OSR1 (odd-skipped related transcription factor 1; minus strand). Cytogenetic location: 2p24.1.
Variant type: single nucleotide variant.
Coding change: c.456C>T on transcript NM_145260.3 (MANE Select); coding-DNA position 456, C replaced by T.
Protein change: p.Asp152=; no amino-acid change (aspartic acid 152 retained).
Molecular consequence: synonymous variant.
Genome position (GRCh38, 1-based): chr2:19,353,350, G>A on the plus strand (C>T on the coding strand, the complement: OSR1 is on the minus strand). VCF-style: chr2-19353350-G-A. GRCh37 (hg19) VCF-style: chr2-19553111-G-A.
Identifiers: ClinVar variation 2650699 (VCV002650699.24), dbSNP rs112207035, ClinGen allele CA1542361.
Genomic context (GRCh38, chr2:19,353,350, plus strand): 5'-CTTGGTCTTGGAAGGCAGACGTCCCCTTGTGGGCTTCTTTTCTGGAGACAGCTTGGTCAC[G>A]TCGAGGAGGGCACCCAGCCCACCTGCAGGGGAGCCTGGGCCCTCCCCGCGACCGAGCTTG-3'
Protein context (NP_660303.1, residues 142-162): SPAGGLGALL[Asp152=]VTKLSPEKKP

ClinVar aggregate classification (germline): Likely benign (1 of 4 stars; one submission).

Allele frequency attached by ClinVar (database versions not stated): gnomAD exomes below 0.00001; ExAC 0.00001; gnomAD 0.00002; TOPMed 0.00004; ESP Exome Variant Server 0.00008.
gnomAD v4.1: 13 of 1,614,106 alleles (0.00081%); highest among the groups gnomAD compares: African/African-American, 0.0093%; no homozygotes.

Submission:

CeGaT Center for Human Genetics Tuebingen
Classification: Likely benign. Last evaluated: 2022-09-01. Review status: criteria provided, single submitter. Criteria: CeGaT Center For Human Genetics Tuebingen Variant Classification Criteria Version 2. Collection method: clinical testing. Allele origin: germline. Affected: yes. Observed: 1 variant allele.
Comment: OSR1: BP4, BP7